The following is an entry in ClinVar:

NM_018489.3(ASH1L):c.4843A>G (p.Arg1615Gly)

Gene: ASH1L (ASH1 like histone lysine methyltransferase; minus strand). Cytogenetic location: 1q22.
Variant type: single nucleotide variant.
Coding change: c.4843A>G on transcript NM_018489.3 (MANE Select); coding-DNA position 4843, A replaced by G.
Protein change: p.Arg1615Gly; replaces arginine 1615 with glycine.
Molecular consequence: missense variant.
Genome position (GRCh38, 1-based): chr1:155,478,027, T>C on the plus strand (A>G on the coding strand, the complement: ASH1L is on the minus strand). VCF-style: chr1-155478027-T-C. GRCh37 (hg19) VCF-style: chr1-155447818-T-C.
Other names: c.4843A>G, p.Arg1615Gly (NM_001366177.2); short protein forms R1615G.
Identifiers: ClinVar variation 2342068 (VCV002342068.27), dbSNP rs151028549, ClinGen allele CA1146876.

ClinVar aggregate classification (germline): Likely benign. Review status: criteria provided, multiple submitters, no conflicts (2 of 4 stars). 3 submissions from 3 submitters: Likely benign (2). 1 of the submissions does not count toward it. Last evaluated 2026-03-01.

Conditions:
Inborn genetic diseases. Identifiers: MedGen C0950123, MeSH D030342.
ASH1L-related disorder. Also called: ASH1L-related condition.

Allele frequency attached by ClinVar (database versions not stated): ExAC 0.00079; 1000 Genomes Project 0.00080; gnomAD 0.00087; TOPMed 0.00107; ESP Exome Variant Server 0.00108; gnomAD exomes 0.00113; 1000 Genomes Project 30x 0.00141.
gnomAD v4.1: 1,787 of 1,614,254 alleles (0.11%); highest among the groups gnomAD compares: Middle Eastern, 0.46%; 1 homozygote.

Submissions (3):

CeGaT Center for Human Genetics Tuebingen
Classification: Likely benign. Last evaluated: 2026-03-01. Review status: criteria provided, single submitter. Criteria: CeGaT Center For Human Genetics Tuebingen Variant Classification Criteria Version 2. Collection method: clinical testing. Allele origin: germline. Affected: yes. Observed: 10 variant alleles.
Comment: ASH1L: BS1

Ambry Genetics
Classification: Likely benign for Inborn genetic diseases. Last evaluated: 2021-09-02. Review status: criteria provided, single submitter. Criteria: Ambry Variant Classification Scheme 2023. Collection method: clinical testing. Allele origin: germline.

PreventionGenetics, part of Exact Sciences
Classification: Likely benign for ASH1L-related condition. Last evaluated: 2020-10-21. Review status: no assertion criteria provided. Collection method: clinical testing. Allele origin: germline. Not counted in ClinVar's aggregate classification.
Comment: This variant is classified as likely benign based on ACMG/AMP sequence variant interpretation guidelines (Richards et al. 2015 PMID: 25741868, with internal and published modifications).